The following is an entry in ClinVar:

NM_000426.4(LAMA2):c.2323-19A>T

Gene: LAMA2 (laminin subunit alpha 2; plus strand). Cytogenetic location: 6q22.33.
Variant type: single nucleotide variant.
Coding change: c.2323-19A>T on transcript NM_000426.4 (MANE Select); 19 bases into the intron before coding-DNA position 2323, A replaced by T.
Molecular consequence: intron variant.
Genome position (GRCh38, 1-based): chr6:129,270,605, A>T. VCF-style: chr6-129270605-A-T. GRCh37 (hg19) VCF-style: chr6-129591750-A-T.
Other names: c.2323-19A>T (NM_001079823.2).
Identifiers: ClinVar variation 510527 (VCV000510527.10), dbSNP rs139093294, ClinGen allele CA3992908.
Genomic context (GRCh38, chr6:129,270,605, plus strand): 5'-GACTTCGTAGACCTATTTTTGGCAACATGTTGATCCCTGACACCAAAATAATAAACTCTG[A>T]TGCTCATTTCTTTCTCAGAACTGTAAGGATCACACAGGTGGCCCATATTGTGATAAATGT-3'

ClinVar aggregate classification (germline): Benign/Likely benign. Review status: criteria provided, multiple submitters, no conflicts (2 of 4 stars). 3 submissions from 3 submitters: Benign (1); Likely benign (2). Last evaluated 2026-01-27.

Conditions:
LAMA2-related muscular dystrophy (LAMA2-RD). Also called: Laminin alpha 2-related dystrophy. Identifiers: MedGen C5679788, MONDO:0100228.

Allele frequency attached by ClinVar (database versions not stated): gnomAD exomes 0.00035; 1000 Genomes Project 0.00040; ExAC 0.00041; 1000 Genomes Project 30x 0.00062; ESP Exome Variant Server 0.00085; gnomAD 0.00117 and 0.00128; TOPMed 0.00145.
gnomAD v4.1: 351 of 1,612,532 alleles (0.022%); highest among the groups gnomAD compares: African/African-American, 0.41%; 3 homozygotes.

Submissions (3):

Labcorp Genetics (formerly Invitae), Labcorp
Classification: Benign for LAMA2-related muscular dystrophy. Last evaluated: 2026-01-27. Review status: criteria provided, single submitter. Criteria: Invitae Variant Classification Sherloc (09022015). Collection method: clinical testing. Allele origin: germline.

Blueprint Genetics
Classification: Likely benign. Last evaluated: 2022-10-13. Review status: criteria provided, single submitter. Criteria: ACMG Guidelines, 2015. Collection method: clinical testing. Allele origin: germline.

GeneDx
Classification: Likely benign. Last evaluated: 2017-07-05. Review status: criteria provided, single submitter. Criteria: GeneDx Variant Classification (06012015). Collection method: clinical testing. Allele origin: germline. Affected: yes.
Comment: This variant is considered likely benign or benign based on one or more of the following criteria: it is a conservative change, it occurs at a poorly conserved position in the protein, it is predicted to be benign by multiple in silico algorithms, and/or has population frequency not consistent with disease.